The following is an entry in ClinVar:

ClinVar aggregate classification (germline): Benign/Likely benign. Review status: criteria provided, multiple submitters, no conflicts (2 of 4 stars). 8 submissions from 8 submitters: Benign (4); Likely benign (2). 2 of the submissions do not count toward it. Last evaluated 2026-02-04.

Conditions:
Jeune thoracic dystrophy. Also called: Short-rib thoracic dysplasia; Jeune syndrome; Infantile thoracic dystrophy; Thoracic pelvic phalangeal dystrophy; Jeune's syndrome; Chondroectodermal dysplasia-like syndrome. Identifiers: Orphanet 474, MedGen C0265275, MONDO:0018770.
Asphyxiating thoracic dystrophy 3. Also called: SHORT-RIB THORACIC DYSPLASIA 3 WITH OR WITHOUT POLYDACTYLY; POLYDACTYLY WITH NEONATAL CHONDRODYSTROPHY, TYPE I; SHORT-RIB THORACIC DYSPLASIA 3/6 WITH POLYDACTYLY, DIGENIC; Short rib polydactyly syndrome 2B; Saldino-Noonan Syndrome. Identifiers: Orphanet 474, Orphanet 93269, Orphanet 93270, Orphanet 93271, MedGen C0036069, MONDO:0013127, OMIM 613091.

Allele frequency attached by ClinVar (database versions not stated): 1000 Genomes Project 0.00419; 1000 Genomes Project 30x 0.00453; gnomAD 0.00672; TOPMed 0.00868; ESP Exome Variant Server 0.00928.
gnomAD v4.1: 17,039 of 1,607,294 alleles (1.1%); highest among the groups gnomAD compares: Non-Finnish European, 1.3%; 111 homozygotes.

Submissions (8):

Labcorp Genetics (formerly Invitae), Labcorp
Classification: Benign for Jeune thoracic dystrophy. Last evaluated: 2026-02-04. Review status: criteria provided, single submitter. Criteria: Invitae Variant Classification Sherloc (09022015). Collection method: clinical testing. Allele origin: germline.

CeGaT Center for Human Genetics Tuebingen
Classification: Benign. Last evaluated: 2025-07-01. Review status: criteria provided, single submitter. Criteria: CeGaT Center For Human Genetics Tuebingen Variant Classification Criteria Version 2. Collection method: clinical testing. Allele origin: germline. Affected: yes. Observed: 10 variant alleles.
Comment: DYNC2H1: BP4, BP7, BS1, BS2

ARUP Laboratories, Molecular Genetics and Genomics, ARUP Laboratories
Classification: Benign for Asphyxiating thoracic dystrophy 3. Last evaluated: 2024-12-27. Review status: criteria provided, single submitter. Criteria: ARUP Molecular Germline Variant Investigation Process 2024. Collection method: clinical testing. Allele origin: germline.

GeneDx
Classification: Benign. Last evaluated: 2018-02-08. Review status: criteria provided, single submitter. Criteria: GeneDx Variant Classification (06012015). Collection method: clinical testing. Allele origin: germline. Affected: yes.
Comment: This variant is considered likely benign or benign based on one or more of the following criteria: it is a conservative change, it occurs at a poorly conserved position in the protein, it is predicted to be benign by multiple in silico algorithms, and/or has population frequency not consistent with disease.

Genetic Services Laboratory, University of Chicago
Classification: Likely benign. Last evaluated: 2016-04-08. Review status: criteria provided, single submitter. Criteria: ACMG Guidelines, 2015. Collection method: clinical testing. Allele origin: germline. Affected: no.

Breakthrough Genomics
Classification: Likely benign. Review status: criteria provided, single submitter. Criteria: ACMG Guidelines, 2015. Collection method: not provided. Allele origin: germline. Inheritance: Autosomal recessive inheritance. Affected: yes.

Clinical Genetics DNA and cytogenetics Diagnostics Lab, Erasmus MC, Erasmus Medical Center
Classification: Benign. Review status: no assertion criteria provided. Collection method: clinical testing. Allele origin: germline. Affected: yes. Study: VKGL Data-share Consensus. Not counted in ClinVar's aggregate classification.

Genome Diagnostics Laboratory, University Medical Center Utrecht
Classification: Likely benign. Review status: no assertion criteria provided. Collection method: clinical testing. Allele origin: germline. Affected: yes. Study: VKGL Data-share Consensus. Not counted in ClinVar's aggregate classification.

NM_001377.3(DYNC2H1):c.10864C>A (p.Arg3622=)

Gene: DYNC2H1 (dynein cytoplasmic 2 heavy chain 1; plus strand). Cytogenetic location: 11q22.3.
Variant type: single nucleotide variant.
Coding change: c.10864C>A on transcript NM_001377.3 (MANE Select); coding-DNA position 10864, C replaced by A.
Protein change: p.Arg3622=; no amino-acid change (arginine 3622 retained).
Molecular consequence: synonymous variant.
Genome position (GRCh38, 1-based): chr11:103,283,059, C>A. VCF-style: chr11-103283059-C-A. GRCh37 (hg19) VCF-style: chr11-103153788-C-A.
Other names: c.10885C>A, p.Arg3629= (NM_001080463.2).
Identifiers: ClinVar variation 220090 (VCV000220090.49), dbSNP rs117178504, ClinGen allele CA349732.